The following is an entry in ClinVar:

NM_001370259.2(MEN1):c.71C>T (p.Ala24Val)

Gene: MEN1 (menin 1; minus strand). Cytogenetic location: 11q13.1.
Variant type: single nucleotide variant.
Coding change: c.71C>T on transcript NM_001370259.2 (MANE Select); coding-DNA position 71, C replaced by T.
Protein change: p.Ala24Val; replaces alanine 24 with valine.
Molecular consequence: missense variant.
Genome position (GRCh38, 1-based): chr11:64,810,039, G>A on the plus strand (C>T on the coding strand, the complement: MEN1 is on the minus strand). VCF-style: chr11-64810039-G-A. GRCh37 (hg19) VCF-style: chr11-64577511-G-A.
Other names: c.71C>T, p.Ala24Val (NM_000244.4, NM_001370251.2, NM_001370260.2 and 9 more transcripts); short protein forms A24V.
Identifiers: ClinVar variation 527250 (VCV000527250.14), dbSNP rs1328062930, ClinGen allele CA381188076.
Genomic context (GRCh38, chr11:64,810,039, plus strand): 5'-ACGAAGCCCAGCACCAAGGAAAGGAGCACCAGGTCCGGCTCCTCTCGGCCCAGCTCGGCA[G>A]CAAACAGGCGCACCACGTCGTCGATGGAGCGCAGCGGGAACAGCGTCTTCTGGGCGGCCT-3'
Protein context (NP_001357188.2, residues 14-34): RSIDDVVRLF[Ala24Val]AELGREEPDL

ClinVar aggregate classification (germline): Conflicting classifications of pathogenicity. Review status: criteria provided, conflicting classifications (1 of 4 stars). 4 submissions from 4 submitters: Uncertain significance (3); Likely benign (1). Last evaluated 2025-11-10.

Conditions:
Multiple endocrine neoplasia, type 1 (MEN1). Also called: MEN I; WERMER SYNDROME; Endocrine adenomatosis multiple; MEN 1; MEA I. Identifiers: Orphanet 652, MedGen C0025267, MeSH D018761, MONDO:0007540, OMIM 131100.
Hereditary cancer-predisposing syndrome. Also called: Neoplastic Syndromes, Hereditary; Tumor predisposition; Hereditary neoplastic syndrome; Hereditary Cancer Syndrome. Identifiers: Orphanet 140162, MedGen C0027672, MeSH D009386, MONDO:0015356.

Allele frequency attached by ClinVar (database versions not stated): TOPMed below 0.00001; gnomAD exomes 0.00001.
gnomAD v4.1: 3 of 1,609,548 alleles (0.00019%); highest among the groups gnomAD compares: Non-Finnish European, 0.00025%; no homozygotes.

Submissions (4):

Labcorp Genetics (formerly Invitae), Labcorp
Classification: Likely benign for Multiple endocrine neoplasia, type 1. Last evaluated: 2025-11-10. Review status: criteria provided, single submitter. Criteria: Invitae Variant Classification Sherloc (09022015). Collection method: clinical testing. Allele origin: germline.

Ambry Genetics
Classification: Uncertain significance for Hereditary cancer-predisposing syndrome. Last evaluated: 2025-11-02. Review status: criteria provided, single submitter. Criteria: Ambry Variant Classification Scheme 2023. Collection method: clinical testing. Allele origin: germline.
Comment: The p.A24V variant (also known as c.71C>T), located in coding exon 1 of the MEN1 gene, results from a C to T substitution at nucleotide position 71. The alanine at codon 24 is replaced by valine, an amino acid with similar properties. This amino acid position is not well conserved in available vertebrate species. In addition, the in silico prediction for this alteration is inconclusive. Since supporting evidence is limited at this time, the clinical significance of this alteration remains unclear.

Color Diagnostics, LLC DBA Color Health
Classification: Uncertain significance for Multiple endocrine neoplasia, type 1. Last evaluated: 2024-05-07. Review status: criteria provided, single submitter. Criteria: ACMG Guidelines, 2015. Collection method: clinical testing. Allele origin: germline.
Comment: This missense variant replaces alanine with valine at codon 24 of the MEN1 protein. Computational prediction suggests that this variant may not impact protein structure and function. To our knowledge, functional studies have not been reported for this variant. This variant has not been reported in individuals affected with MEN1-related disorders in the literature. This variant has not been identified in the general population by the Genome Aggregation Database (gnomAD). The available evidence is insufficient to determine the role of this variant in disease conclusively. Therefore, this variant is classified as a Variant of Uncertain Significance.

Baylor Genetics
Classification: Uncertain significance for Multiple Endocrine Neoplasia Type 1. Last evaluated: 2024-01-18. Review status: criteria provided, single submitter. Criteria: ACMG Guidelines, 2015. Collection method: clinical testing. Allele origin: unknown.